The following is an entry in ClinVar:

NM_012330.4(KAT6B):c.2023G>T (p.Glu675Ter)

Gene: KAT6B (lysine acetyltransferase 6B; plus strand). Cytogenetic location: 10q22.2.
Variant type: single nucleotide variant.
Coding change: c.2023G>T on transcript NM_012330.4 (MANE Select); coding-DNA position 2023, G replaced by T.
Protein change: p.Glu675Ter; replaces glutamic acid 675 with a stop codon.
Molecular consequence: nonsense. On other transcripts: intron variant (3).
Genome position (GRCh38, 1-based): chr10:74,977,345, G>T. VCF-style: chr10-74977345-G-T. GRCh37 (hg19) VCF-style: chr10-76737103-G-T.
Other names: c.958G>T, p.Glu320Ter (NM_001370144.1, NM_001370143.1); c.846+7570G>T (NM_001370133.1); c.193-1879G>T (NM_001370134.1); c.193-11674G>T (NM_001370135.1); c.1474G>T, p.Glu492Ter (NM_001256468.2, NM_001370138.1); c.1147G>T, p.Glu383Ter (NM_001256469.2, NM_001370132.1, NM_001370139.1 and 3 more transcripts); c.2023G>T, p.Glu675Ter (NM_001370136.1, NM_001370137.1); short protein forms E320*, E383*, E492*, E675*.
Identifiers: ClinVar variation 3234641 (VCV003234641.20), dbSNP rs2548964393, ClinGen allele CA377290142.

ClinVar aggregate classification (germline): Pathogenic (1 of 4 stars; one submission).

Submission:

CeGaT Center for Human Genetics Tuebingen
Classification: Pathogenic. Last evaluated: 2024-04-01. Review status: criteria provided, single submitter. Criteria: CeGaT Center For Human Genetics Tuebingen Variant Classification Criteria Version 2. Collection method: clinical testing. Allele origin: germline. Affected: yes. Observed: 1 variant allele.
Comment: KAT6B: PVS1, PM2